The following is an entry in ClinVar:

NM_006623.4(PHGDH):c.689G>A (p.Arg230His)

Gene: PHGDH (phosphoglycerate dehydrogenase; plus strand). Cytogenetic location: 1p12.
Variant type: single nucleotide variant.
Coding change: c.689G>A on transcript NM_006623.4 (MANE Select); coding-DNA position 689, G replaced by A.
Protein change: p.Arg230His; replaces arginine 230 with histidine.
Molecular consequence: missense variant.
Genome position (GRCh38, 1-based): chr1:119,735,340, G>A. VCF-style: chr1-119735340-G-A. GRCh37 (hg19) VCF-style: chr1-120277963-G-A.
Other names: short protein forms R230H.
Identifiers: ClinVar variation 1300937 (VCV001300937.7), dbSNP rs777155018, ClinGen allele CA1037221.

ClinVar aggregate classification (germline): Uncertain significance. Review status: criteria provided, multiple submitters, no conflicts (2 of 4 stars). 4 submissions from 3 submitters: Uncertain significance (4). Last evaluated 2026-10-01.

Conditions:
Neu-Laxova syndrome 1 (NLS1). Identifiers: Orphanet 2671, Orphanet 583607, MedGen C4551478, MONDO:0009736, OMIM 256520. Disease mechanism: loss of function.
PHGDH deficiency. Identifiers: Orphanet 79351, MedGen C1866174, MONDO:0011152, OMIM 601815.

Allele frequency attached by ClinVar (database versions not stated): gnomAD exomes 0.00006; ExAC 0.00004; gnomAD 0.00011; TOPMed 0.00011.
gnomAD v4.1: 45 of 1,614,098 alleles (0.0028%); highest among the groups gnomAD compares: African/African-American, 0.025%; no homozygotes.

Submissions (4):

GeneDx
Classification: Uncertain significance. Last evaluated: 2026-10-01. Review status: criteria provided, single submitter. Criteria: GeneDx Variant Classification Process June 2021. Collection method: clinical testing. Allele origin: germline.
Comment: In silico analysis indicates that this missense variant does not alter protein structure/function; Has not been previously published as pathogenic or benign to our knowledge

Genome-Nilou Lab
Classification: Uncertain significance for Neu-Laxova syndrome 1. Last evaluated: 2023-04-11. Review status: criteria provided, single submitter. Criteria: ACMG Guidelines, 2015. Collection method: clinical testing. Allele origin: germline. Affected: no.

Genome-Nilou Lab
Classification: Uncertain significance for PHGDH deficiency. Last evaluated: 2023-04-11. Review status: criteria provided, single submitter. Criteria: ACMG Guidelines, 2015. Collection method: clinical testing. Allele origin: germline. Affected: no.

Labcorp Genetics (formerly Invitae), Labcorp
Classification: Uncertain significance for PHGDH deficiency. Last evaluated: 2022-10-17. Review status: criteria provided, single submitter. Criteria: Invitae Variant Classification Sherloc (09022015). Collection method: clinical testing. Allele origin: germline.
Comment: This sequence change replaces arginine, which is basic and polar, with histidine, which is basic and polar, at codon 230 of the PHGDH protein (p.Arg230His). This variant is present in population databases (rs777155018, gnomAD 0.03%). This variant has not been reported in the literature in individuals affected with PHGDH-related conditions. ClinVar contains an entry for this variant (Variation ID: 1300937). Advanced modeling of protein sequence and biophysical properties (such as structural, functional, and spatial information, amino acid conservation, physicochemical variation, residue mobility, and thermodynamic stability) performed at Invitae indicates that this missense variant is not expected to disrupt PHGDH protein function. In summary, the available evidence is currently insufficient to determine the role of this variant in disease. Therefore, it has been classified as a Variant of Uncertain Significance.